The following is an entry in ClinVar:

NM_000213.5(ITGB4):c.79+1G>A

Gene: ITGB4 (integrin subunit beta 4; plus strand). Cytogenetic location: 17q25.1.
Variant type: single nucleotide variant.
Coding change: c.79+1G>A on transcript NM_000213.5 (MANE Select); the canonical splice donor site of the intron after coding-DNA position 79, G replaced by A.
Molecular consequence: splice donor variant.
Genome position (GRCh38, 1-based): chr17:75,724,783, G>A. VCF-style: chr17-75724783-G-A. GRCh37 (hg19) VCF-style: chr17-73720863-G-A.
Other names: c.79+1G>A (NM_001005619.2, NM_001005731.3, NM_001438834.1 and 1 more transcripts).
Identifiers: ClinVar variation 2876804 (VCV002876804.3), dbSNP rs113390459, ClinGen allele CA401062934.

ClinVar aggregate classification (germline): Likely pathogenic (1 of 4 stars; one submission).

gnomAD v4.1: 1 of 1,612,954 alleles (0.000062%); highest among the groups gnomAD compares: Non-Finnish European, 0.000085%; no homozygotes.

Submission:

Labcorp Genetics (formerly Invitae), Labcorp
Classification: Likely pathogenic. Last evaluated: 2023-01-23. Review status: criteria provided, single submitter. Criteria: Invitae Variant Classification Sherloc (09022015). Collection method: clinical testing. Allele origin: germline.
Comment: This sequence change affects a donor splice site in intron 2 of the ITGB4 gene. It is expected to disrupt RNA splicing. Variants that disrupt the donor or acceptor splice site typically lead to a loss of protein function (PMID: 16199547), and loss-of-function variants in ITGB4 are known to be pathogenic (PMID: 11328943, 16473856). This variant is not present in population databases (gnomAD no frequency). This variant has not been reported in the literature in individuals affected with ITGB4-related conditions. Algorithms developed to predict the effect of sequence changes on RNA splicing suggest that this variant may disrupt the consensus splice site. In summary, the currently available evidence indicates that the variant is pathogenic, but additional data are needed to prove that conclusively. Therefore, this variant has been classified as Likely Pathogenic.

Literature cited by the submitters: PubMed 16199547; PubMed 11328943; PubMed 16473856.